The following is an entry in ClinVar:

NM_020693.4(DSCAML1):c.167C>T (p.Ala56Val)

Gene: DSCAML1 (DS cell adhesion molecule like 1; minus strand). Cytogenetic location: 11q23.3.
Variant type: single nucleotide variant.
Coding change: c.167C>T on transcript NM_020693.4 (MANE Select); coding-DNA position 167, C replaced by T.
Protein change: p.Ala56Val; replaces alanine 56 with valine.
Molecular consequence: missense variant. On other transcripts: 5 prime UTR variant (1).
Genome position (GRCh38, 1-based): chr11:117,780,690, G>A on the plus strand (C>T on the coding strand, the complement: DSCAML1 is on the minus strand). VCF-style: chr11-117780690-G-A. GRCh37 (hg19) VCF-style: chr11-117651405-G-A.
Other names: c.167C>T, p.Ala56Val (NM_001367904.1); c.-242C>T (NM_001367905.1); short protein forms A56V.
Identifiers: ClinVar variation 2006061 (VCV002006061.4), dbSNP rs2055239786, ClinGen allele CA382760917.

ClinVar aggregate classification (germline): Uncertain significance (1 of 4 stars; one submission).

Allele frequency attached by ClinVar (database versions not stated): TOPMed below 0.00001; gnomAD 0.00001.

Submission:

Labcorp Genetics (formerly Invitae), Labcorp
Classification: Uncertain significance. Last evaluated: 2023-08-24. Review status: criteria provided, single submitter. Criteria: Invitae Variant Classification Sherloc (09022015). Collection method: clinical testing. Allele origin: germline.
Comment: This variant is not present in population databases (gnomAD no frequency). In summary, the available evidence is currently insufficient to determine the role of this variant in disease. Therefore, it has been classified as a Variant of Uncertain Significance. An algorithm developed to predict the effect of missense changes on protein structure and function (PolyPhen-2) suggests that this variant is likely to be tolerated. ClinVar contains an entry for this variant (Variation ID: 2006061). This variant has not been reported in the literature in individuals affected with DSCAML1-related conditions. This sequence change replaces alanine, which is neutral and non-polar, with valine, which is neutral and non-polar, at codon 116 of the DSCAML1 protein (p.Ala116Val).